The following is an entry in ClinVar:

ClinVar aggregate classification (germline): Uncertain significance (1 of 4 stars; one submission).

Submission:

Labcorp Genetics (formerly Invitae), Labcorp
Classification: Uncertain significance. Last evaluated: 2023-01-01. Review status: criteria provided, single submitter. Criteria: Invitae Variant Classification Sherloc (09022015). Collection method: clinical testing. Allele origin: germline.
Comment: This sequence change replaces aspartic acid, which is acidic and polar, with glutamic acid, which is acidic and polar, at codon 720 of the ZDBF2 protein (p.Asp720Glu). This variant is not present in population databases (gnomAD no frequency). This variant has not been reported in the literature in individuals affected with ZDBF2-related conditions. Algorithms developed to predict the effect of missense changes on protein structure and function output the following: SIFT: "Deleterious"; PolyPhen-2: "Possibly Damaging"; Align-GVGD: "Class C0". The glutamic acid amino acid residue is found in multiple mammalian species, which suggests that this missense change does not adversely affect protein function. In summary, the available evidence is currently insufficient to determine the role of this variant in disease. Therefore, it has been classified as a Variant of Uncertain Significance.

NM_020923.3(ZDBF2):c.2160T>A (p.Asp720Glu)

Gene: ZDBF2 (zinc finger DBF-type containing 2; plus strand). Cytogenetic location: 2q33.3.
Variant type: single nucleotide variant.
Coding change: c.2160T>A on transcript NM_020923.3 (MANE Select); coding-DNA position 2160, T replaced by A.
Protein change: p.Asp720Glu; replaces aspartic acid 720 with glutamic acid.
Molecular consequence: missense variant.
Genome position (GRCh38, 1-based): chr2:206,306,688, T>A. VCF-style: chr2-206306688-T-A. GRCh37 (hg19) VCF-style: chr2-207171412-T-A.
Other names: c.2154T>A, p.Asp718Glu (NM_001285549.2); c.2160T>A, p.Asp720Glu (NM_001369654.1); short protein forms D718E, D720E.
Identifiers: ClinVar variation 2825874 (VCV002825874.3), dbSNP rs2470558391, ClinGen allele CA350050196.
Genomic context (GRCh38, chr2:206,306,688, plus strand): 5'-GTCTAGCCGTTCTTCTCTGAGTTCTGATTCTCCGGCTTCTCTTTATCATTCAGCTCATGA[T>A]GAGCCTCAAGAAGCTTTGGATGAAGTAAATCTTAAAGAGTTAAATATTGACATGGAAGTT-3'
Protein context (NP_065974.1, residues 710-730): SPASLYHSAH[Asp720Glu]EPQEALDEVN